The following is an entry in ClinVar:

ClinVar aggregate classification (germline): Uncertain significance. Review status: criteria provided, multiple submitters, no conflicts (2 of 4 stars). 3 submissions from 3 submitters: Uncertain significance (3). Last evaluated 2026-02-03.

Conditions:
RASopathy. Also called: Noonan spectrum disorder; rasopathies. Identifiers: Orphanet 536391, MedGen C5555857, MONDO:0021060.
Cardiovascular phenotype. Identifiers: MedGen CN230736.

gnomAD v4.1: 1 of 1,590,482 alleles (0.000063%); highest among the groups gnomAD compares: Non-Finnish European, 0.000086%; no homozygotes.

Submissions (3):

GeneDx
Classification: Uncertain significance. Last evaluated: 2026-02-03. Review status: criteria provided, single submitter. Criteria: GeneDx Variant Classification Process June 2021. Collection method: clinical testing. Allele origin: germline. Affected: yes.
Comment: Not observed at significant frequency in large population cohorts (gnomAD); Missense variants in this gene are a common cause of disease and they are underrepresented in the general population; In silico analysis suggests that this missense variant does not alter protein structure/function; Has not been previously published as pathogenic or benign to our knowledge; This variant is associated with the following publications: (PMID: 29493581)

Ambry Genetics
Classification: Uncertain significance for Cardiovascular phenotype. Last evaluated: 2025-12-19. Review status: criteria provided, single submitter. Criteria: Ambry Variant Classification Scheme 2023. Collection method: clinical testing. Allele origin: germline.
Comment: The p.L377V variant (also known as c.1129C>G), located in coding exon 10 of the PTPN11 gene, results from a C to G substitution at nucleotide position 1129. The leucine at codon 377 is replaced by valine, an amino acid with highly similar properties. This amino acid position is conserved. In addition, the in silico prediction for this alteration is inconclusive. Based on the available evidence, the clinical significance of this variant remains unclear.

Labcorp Genetics (formerly Invitae), Labcorp
Classification: Uncertain significance for RASopathy. Last evaluated: 2021-06-25. Review status: criteria provided, single submitter. Criteria: Invitae Variant Classification Sherloc (09022015). Collection method: clinical testing. Allele origin: germline.
Comment: In summary, the available evidence is currently insufficient to determine the role of this variant in disease. Therefore, it has been classified as a Variant of Uncertain Significance. Advanced modeling of protein sequence and biophysical properties (such as structural, functional, and spatial information, amino acid conservation, physicochemical variation, residue mobility, and thermodynamic stability) performed at Invitae indicates that this missense variant is not expected to disrupt PTPN11 protein function. This variant has not been reported in the literature in individuals with PTPN11-related conditions. This variant is not present in population databases (ExAC no frequency). This sequence change replaces leucine with valine at codon 377 of the PTPN11 protein (p.Leu377Val). The leucine residue is moderately conserved and there is a small physicochemical difference between leucine and valine.

NM_002834.5(PTPN11):c.1129C>G (p.Leu377Val)

Gene: PTPN11 (protein tyrosine phosphatase non-receptor type 11; plus strand). Cytogenetic location: 12q24.13.
Variant type: single nucleotide variant.
Coding change: c.1129C>G on transcript NM_002834.5 (MANE Select); coding-DNA position 1129, C replaced by G.
Protein change: p.Leu377Val; replaces leucine 377 with valine.
Molecular consequence: missense variant.
Genome position (GRCh38, 1-based): chr12:112,482,110, C>G. VCF-style: chr12-112482110-C-G. GRCh37 (hg19) VCF-style: chr12-112919914-C-G.
Other names: c.1129C>G, p.Leu377Val (NM_001330437.2, NM_080601.3); c.1126C>G, p.Leu376Val (NM_001374625.1); short protein forms L376V, L377V.
Identifiers: ClinVar variation 1315491 (VCV001315491.11), dbSNP rs1322494804, ClinGen allele CA386775644.
Genomic context (GRCh38, chr12:112,482,110, plus strand): 5'-TTCTTTTTTTCTGATCTCTTCCAGAGTAAATGTGTCAAATACTGGCCTGATGAGTATGCT[C>G]TAAAAGAATATGGCGTCATGCGTGTTAGGAACGTCAAAGAAAGCGCCGCTCATGACTATA-3'
Protein context (NP_002825.3, residues 367-387): CVKYWPDEYA[Leu377Val]KEYGVMRVRN